The following is an entry in ClinVar:

ClinVar aggregate classification (germline): Conflicting classifications of pathogenicity. Review status: criteria provided, conflicting classifications (1 of 4 stars). 3 submissions from 3 submitters: Likely pathogenic (1); Uncertain significance (2). Last evaluated 2026-05-15.

Conditions:
Hermansky-Pudlak syndrome (HPS). Also called: ALBINISM WITH HEMORRHAGIC DIATHESIS AND PIGMENTED RETICULOENDOTHELIAL CELLS. Identifiers: Orphanet 79430, MedGen C0079504, MONDO:0019312.
Hermansky-Pudlak syndrome 1 (HPS1). Also called: DELTA STORAGE POOL DISEASE. Identifiers: Orphanet 231500, Orphanet 79430, MedGen C2931875, MONDO:0008748, OMIM 203300.

Allele frequency attached by ClinVar (database versions not stated): gnomAD exomes below 0.00001; gnomAD 0.00001; TOPMed 0.00001.

Submissions (3):

Myriad Genetics, Inc.
Classification: Uncertain significance for Hermansky-Pudlak syndrome 1. Last evaluated: 2026-05-15. Review status: criteria provided, single submitter. Criteria: Myriad Autosomal Dominant, Autosomal Recessive and X-Linked Classification Criteria (2023). Collection method: clinical testing. Allele origin: unknown.
Comment: NM_000195.3(HPS1):c.1388C>A(S463Y) is a missense variant classified as a variant of uncertain significance in the context of Hermansky-Pudlak syndrome, HPS1-related. S463Y has been observed in a case with relevant disease (PMID: 15952982). Relevant functional assessments of this variant are not available in the literature. S463Y has been observed in referenced population frequency databases. In summary, there is insufficient evidence to classify NM_000195.3(HPS1):c.1388C>A(S463Y) as pathogenic or benign. Please note: this variant was assessed in the context of healthy population screening.

Natera, Inc.
Classification: Likely pathogenic for Hermansky-Pudlak syndrome. Last evaluated: 2024-09-03. Review status: criteria provided, single submitter. Criteria: Natera Variant Classification Schema (03/2026). Collection method: clinical testing. Allele origin: germline.
Comment: The c.1388C>A variant in HPS1 is a missense variant predicted to cause substitution of serine to tyrosine at amino acid 463. This variant is rare in the general population with a frequency below the threshold expected for the associated phenotype(s). This variant has been observed in one or more individuals affected with the associated recessive disease, as either homozygous or compound heterozygous with a second variant (PMID: 33423334, 15952982). Additionally, this variant has been observed to segregate in affected family members (PMID: 15952982). Computational prediction algorithms indicate this variant is likely to affect gene or protein function. Given the available evidence, this variant is classified as Likely Pathogenic.

Labcorp Genetics (formerly Invitae), Labcorp
Classification: Uncertain significance. Last evaluated: 2022-07-09. Review status: criteria provided, single submitter. Criteria: Invitae Variant Classification Sherloc (09022015). Collection method: clinical testing. Allele origin: germline.
Comment: This sequence change replaces serine, which is neutral and polar, with tyrosine, which is neutral and polar, at codon 463 of the HPS1 protein (p.Ser463Tyr). This variant is present in population databases (no rsID available, gnomAD 0.0009%). This missense change has been observed in individual(s) with Hermansky-Pudlak syndrome (PMID: 15952982). Algorithms developed to predict the effect of missense changes on protein structure and function are either unavailable or do not agree on the potential impact of this missense change (SIFT: "Tolerated"; PolyPhen-2: "Probably Damaging"; Align-GVGD: "Class C0"). In summary, the available evidence is currently insufficient to determine the role of this variant in disease. Therefore, it has been classified as a Variant of Uncertain Significance.

Literature cited by the submitters: PubMed 15952982 (cited by 3 submitters); PubMed 33423334 (cited by Natera, Inc.).

NM_000195.5(HPS1):c.1388C>A (p.Ser463Tyr)

Gene: HPS1 (HPS1 biogenesis of lysosomal organelles complex 3 subunit 1; minus strand). Cytogenetic location: 10q24.2.
Variant type: single nucleotide variant.
Coding change: c.1388C>A on transcript NM_000195.5 (MANE Select); coding-DNA position 1388, C replaced by A.
Protein change: p.Ser463Tyr; replaces serine 463 with tyrosine.
Molecular consequence: missense variant.
Genome position (GRCh38, 1-based): chr10:98,424,322, G>T on the plus strand (C>A on the coding strand, the complement: HPS1 is on the minus strand). VCF-style: chr10-98424322-G-T. GRCh37 (hg19) VCF-style: chr10-100184079-G-T.
Other names: c.416C>A, p.Ser139Tyr (NM_001311345.2, NM_001322487.2, NM_001322489.2); c.1388C>A, p.Ser463Tyr (NM_001322476.2, NM_001322477.2); c.1289C>A, p.Ser430Tyr (NM_001322478.2, NM_001322479.2); c.1127C>A, p.Ser376Tyr (NM_001322480.2, NM_001322481.2); c.1028C>A, p.Ser343Tyr (NM_001322482.2); c.1019C>A, p.Ser340Tyr (NM_001322483.2, NM_001322484.2); c.920C>A, p.Ser307Tyr (NM_001322485.2); c.1388C>A (NM_000195.4); short protein forms S430Y, S463Y, S343Y, S376Y, S139Y, S307Y, S340Y.
Identifiers: ClinVar variation 1904373 (VCV001904373.4), dbSNP rs1293934549, ClinGen allele CA378046773.